The following is an entry in ClinVar:

NM_002225.5(IVD):c.449T>C (p.Leu150Pro)

Gene: IVD (isovaleryl-CoA dehydrogenase; plus strand). Cytogenetic location: 15q15.1.
Variant type: single nucleotide variant.
Coding change: c.449T>C on transcript NM_002225.5 (MANE Select); coding-DNA position 449, T replaced by C.
Protein change: p.Leu150Pro; replaces leucine 150 with proline.
Molecular consequence: missense variant. On other transcripts: non-coding transcript variant (1).
Genome position (GRCh38, 1-based): chr15:40,410,790, T>C. VCF-style: chr15-40410790-T-C. GRCh37 (hg19) VCF-style: chr15-40702989-T-C.
Other names: c.359T>C, p.Leu120Pro (NM_001159508.3); c.401T>C, p.Leu134Pro (NM_001354597.3); c.449T>C, p.Leu150Pro (NM_001354598.3, NM_001354601.3); c.536T>C, p.Leu179Pro (NM_001354599.3, NM_001354600.3); short protein forms L179P, L120P, L150P, L134P.
Identifiers: ClinVar variation 5005392 (VCV005005392.2).
Genomic context (GRCh38, chr15:40,410,790, plus strand): 5'-CCAACCTCTGCATCAACCAGCTTGTACGCAATGGGAATGAGGCCCAGAAAGAGAAGTATC[T>C]CCCGAAGGTGAGGAAATGGAAATGTAATACACGCTAATCTCACAGTGCAACCACCAACTA-3'
Protein context (NP_002216.3, residues 140-160): NGNEAQKEKY[Leu150Pro]PKLISGEYIG

ClinVar aggregate classification (germline): Likely pathogenic (1 of 4 stars; one submission).

Conditions:
Isovaleryl-CoA dehydrogenase deficiency (IVA). Also called: Isovaleric acidemia; Classic Isovaleric Acidemia; ISOVALERIC ACID CoA DEHYDROGENASE DEFICIENCY; IVD DEFICIENCY. Identifiers: Orphanet 33, MedGen C0268575, MONDO:0009475, OMIM 243500.

Submission:

Juno Genomics, Hangzhou Juno Genomics, Inc
Classification: Likely pathogenic for Isovaleryl-CoA dehydrogenase deficiency. Review status: criteria provided, single submitter. Criteria: ACMG Guidelines, 2015. Collection method: clinical testing. Allele origin: germline.
Comment: Absent from controls (or at extremely low frequency if recessive) in Genome Aggregation Database.;Multiple lines of computational evidence support a deleterious effect on the gene or gene product.;Patient's phenotype or family history is highly specific for a disease with a single genetic etiology.